The following is an entry in ClinVar:

ClinVar aggregate classification (germline): Uncertain significance (1 of 4 stars; one submission).

Allele frequency attached by ClinVar (database versions not stated): gnomAD 0.00001; TOPMed 0.00001; gnomAD exomes below 0.00001.
gnomAD v4.1: 3 of 1,614,154 alleles (0.00019%); highest among the groups gnomAD compares: Admixed American, 0.0017%; no homozygotes.

Submission:

Labcorp Genetics (formerly Invitae), Labcorp
Classification: Uncertain significance. Last evaluated: 2023-08-10. Review status: criteria provided, single submitter. Criteria: Invitae Variant Classification Sherloc (09022015). Collection method: clinical testing. Allele origin: germline.
Comment: This sequence change replaces glutamine, which is neutral and polar, with histidine, which is basic and polar, at codon 2111 of the NBAS protein (p.Gln2111His). This variant is present in population databases (no rsID available, gnomAD 0.006%). This variant has not been reported in the literature in individuals affected with NBAS-related conditions. ClinVar contains an entry for this variant (Variation ID: 1404398). Advanced modeling of protein sequence and biophysical properties (such as structural, functional, and spatial information, amino acid conservation, physicochemical variation, residue mobility, and thermodynamic stability) performed at Invitae indicates that this missense variant is not expected to disrupt NBAS protein function. In summary, the available evidence is currently insufficient to determine the role of this variant in disease. Therefore, it has been classified as a Variant of Uncertain Significance.

NM_015909.4(NBAS):c.6333G>T (p.Gln2111His)

Gene: NBAS (NBAS subunit of NRZ tethering complex; minus strand). Cytogenetic location: 2p24.3.
Variant type: single nucleotide variant.
Coding change: c.6333G>T on transcript NM_015909.4 (MANE Select); coding-DNA position 6333, G replaced by T.
Protein change: p.Gln2111His; replaces glutamine 2111 with histidine.
Molecular consequence: missense variant.
Genome position (GRCh38, 1-based): chr2:15,218,872, C>A on the plus strand (G>T on the coding strand, the complement: NBAS is on the minus strand). VCF-style: chr2-15218872-C-A. GRCh37 (hg19) VCF-style: chr2-15358996-C-A.
Other names: short protein forms Q2111H.
Identifiers: ClinVar variation 1404398 (VCV001404398.6), dbSNP rs1331160035, ClinGen allele CA345884564.